The following is an entry in ClinVar:

ClinVar aggregate classification (germline): Uncertain significance (1 of 4 stars; one submission).

Conditions:
Leber congenital amaurosis 1 (LCA1). Also called: RETINAL BLINDNESS, CONGENITAL; AMAUROSIS CONGENITA OF LEBER I; Congenital absence of the rods and cones; Leber's congenital tapetoretinal degeneration; Leber's congenital tapetoretinal dysplasia. Identifiers: Orphanet 65, MedGen C2931258, MONDO:0008764, OMIM 204000.
Cone-rod dystrophy 6 (CORD6). Also called: RETINAL CONE DYSTROPHY 2; Cone dystrophy progressive. Identifiers: Orphanet 1872, MedGen C1866293, MONDO:0011143, OMIM 601777.

gnomAD v4.1: 2 of 1,613,892 alleles (0.00012%); highest among the groups gnomAD compares: Admixed American, 0.0033%; no homozygotes.

Submission:

Labcorp Genetics (formerly Invitae), Labcorp
Classification: Uncertain significance for Leber congenital amaurosis 1; Cone-rod dystrophy 6. Last evaluated: 2024-11-01. Review status: criteria provided, single submitter. Criteria: Invitae Variant Classification Sherloc (09022015). Collection method: clinical testing. Allele origin: germline.
Comment: This sequence change replaces glycine, which is neutral and non-polar, with glutamic acid, which is acidic and polar, at codon 723 of the GUCY2D protein (p.Gly723Glu). This variant is present in population databases (no rsID available, gnomAD 0.003%). This variant has not been reported in the literature in individuals affected with GUCY2D-related conditions. Invitae Evidence Modeling of protein sequence and biophysical properties (such as structural, functional, and spatial information, amino acid conservation, physicochemical variation, residue mobility, and thermodynamic stability) indicates that this missense variant is not expected to disrupt GUCY2D protein function with a negative predictive value of 80%. In summary, the available evidence is currently insufficient to determine the role of this variant in disease. Therefore, it has been classified as a Variant of Uncertain Significance.

NM_000180.4(GUCY2D):c.2168G>A (p.Gly723Glu)

Gene: GUCY2D (guanylate cyclase 2D, retinal; plus strand). Cytogenetic location: 17p13.1.
Variant type: single nucleotide variant.
Coding change: c.2168G>A on transcript NM_000180.4 (MANE Select); coding-DNA position 2168, G replaced by A.
Protein change: p.Gly723Glu; replaces glycine 723 with glutamic acid.
Molecular consequence: missense variant.
Genome position (GRCh38, 1-based): chr17:8,013,157, G>A. VCF-style: chr17-8013157-G-A. GRCh37 (hg19) VCF-style: chr17-7916475-G-A.
Other names: short protein forms G723E.
Identifiers: ClinVar variation 3750155 (VCV003750155.2).